The following is an entry in ClinVar:

NM_020911.2(PLXNA4):c.2423G>A (p.Arg808His)

Gene: PLXNA4 (plexin A4; minus strand). Cytogenetic location: 7q32.3.
Variant type: single nucleotide variant.
Coding change: c.2423G>A on transcript NM_020911.2 (MANE Select); coding-DNA position 2423, G replaced by A.
Protein change: p.Arg808His; replaces arginine 808 with histidine.
Molecular consequence: missense variant.
Genome position (GRCh38, 1-based): chr7:132,202,809, C>T on the plus strand (G>A on the coding strand, the complement: PLXNA4 is on the minus strand). VCF-style: chr7-132202809-C-T. GRCh37 (hg19) VCF-style: chr7-131887568-C-T.
Other names: c.2423G>A, p.Arg808His (NM_001393897.1); short protein forms R808H.
Identifiers: ClinVar variation 3357096 (VCV003357096.2).
Genomic context (GRCh38, chr7:132,202,809, plus strand): 5'-CCCTGGCACCAGCCACATGCGAAGTCTGGGTCAGCCTTGAGGCACAGCCCGCAGCTCTCA[C>T]GCATGGCTCCACACTTGTAGAGGTGAACTGCAGAGGGGAAGGGCAAGGACAAGGGGTGCT-3'
Protein context (NP_065962.1, residues 798-818): KVHLYKCGAM[Arg808His]ESCGLCLKAD

ClinVar aggregate classification (germline): Uncertain significance (1 of 4 stars; one submission).

Conditions:
PLXNA4-related disorder. Also called: PLXNA4-related condition.

Submission:

PreventionGenetics, part of Exact Sciences
Classification: Uncertain significance for PLXNA4-related condition. Last evaluated: 2026-04-20. Review status: criteria provided, single submitter. Criteria: ACMG Guidelines, 2015. Collection method: clinical testing. Allele origin: germline.
Comment: The PLXNA4 c.2423G>A variant is predicted to result in the amino acid substitution p.Arg808His. To our knowledge, this variant has not been reported in the literature. This variant is reported in 0.00096% of alleles in individuals of European (non-Finnish) descent in gnomAD. At this time, the clinical significance of this variant is uncertain due to the absence of conclusive functional and genetic evidence.